The following is an entry in ClinVar:

NM_000203.5(IDUA):c.167T>C (p.Leu56Pro)

Genes: IDUA (alpha-L-iduronidase; plus strand), SLC26A1 (solute carrier family 26 member 1; minus strand). Cytogenetic location: 4p16.3.
Variant type: single nucleotide variant.
Coding change: c.167T>C on transcript NM_000203.5 (MANE Select); coding-DNA position 167, T replaced by C.
Protein change: p.Leu56Pro; replaces leucine 56 with proline.
Molecular consequence: missense variant. On other transcripts: 3 prime UTR variant (2), non-coding transcript variant (1), intron variant (1).
Genome position (GRCh38, 1-based): chr4:987,817, T>C. VCF-style: chr4-987817-T-C. GRCh37 (hg19) VCF-style: chr4-981605-T-C.
Other names: c.*1016A>G (NM_022042.4, NM_213613.4); c.576+3311A>G (NM_134425.4); short protein forms L56P.
Identifiers: ClinVar variation 1467065 (VCV001467065.6), dbSNP rs2153015609, ClinGen allele CA355946027.

ClinVar aggregate classification (germline): Uncertain significance (1 of 4 stars; one submission).

Conditions:
Mucopolysaccharidosis type 1. Also called: Mucopolysaccharidosis Type I; IDUA deficiency; MPS I. Identifiers: Orphanet 579, MedGen C0023786, MONDO:0001586.

Submission:

Labcorp Genetics (formerly Invitae), Labcorp
Classification: Uncertain significance for Mucopolysaccharidosis type 1. Last evaluated: 2022-05-27. Review status: criteria provided, single submitter. Criteria: Invitae Variant Classification Sherloc (09022015). Collection method: clinical testing. Allele origin: germline.
Comment: In summary, the available evidence is currently insufficient to determine the role of this variant in disease. Therefore, it has been classified as a Variant of Uncertain Significance. Advanced modeling of protein sequence and biophysical properties (such as structural, functional, and spatial information, amino acid conservation, physicochemical variation, residue mobility, and thermodynamic stability) performed at Invitae indicates that this missense variant is expected to disrupt IDUA protein function. This variant has not been reported in the literature in individuals affected with IDUA-related conditions. This variant is not present in population databases (gnomAD no frequency). This sequence change replaces leucine, which is neutral and non-polar, with proline, which is neutral and non-polar, at codon 56 of the IDUA protein (p.Leu56Pro).